The following is an entry in ClinVar:

ClinVar aggregate classification (germline): Pathogenic/Likely pathogenic. Review status: criteria provided, multiple submitters, no conflicts (2 of 4 stars). 5 submissions from 5 submitters: Pathogenic (2); Likely pathogenic (2). 1 of the submissions does not count toward it. Last evaluated 2024-08-13.

Conditions:
Familial cancer of breast. Also called: Hereditary breast cancer; BREAST CANCER, FAMILIAL; hereditary breast carcinoma. Identifiers: Orphanet 227535, MedGen C0346153, MONDO:0016419, OMIM 114480. Disease mechanism: loss of function.
Gastric cancer. Also called: Malignant tumor of stomach; Stomach cancer. Identifiers: MedGen C0024623, MeSH D013274, MONDO:0001056, OMIM 613659, HP:0012126.

Submissions (5):

Labcorp Genetics (formerly Invitae), Labcorp
Classification: Pathogenic for Familial cancer of breast. Last evaluated: 2024-08-13. Review status: criteria provided, single submitter. Criteria: Invitae Variant Classification Sherloc (09022015). Collection method: clinical testing. Allele origin: germline.
Comment: This sequence change creates a premature translational stop signal (p.Cys645*) in the BARD1 gene. It is expected to result in an absent or disrupted protein product. Loss-of-function variants in BARD1 are known to be pathogenic (PMID: 20077502, 21344236). This variant is not present in population databases (gnomAD no frequency). This variant has not been reported in the literature in individuals affected with BARD1-related conditions. ClinVar contains an entry for this variant (Variation ID: 265510). For these reasons, this variant has been classified as Pathogenic.

Myriad Genetics, Inc.
Classification: Pathogenic for Familial cancer of breast. Last evaluated: 2023-05-25. Review status: criteria provided, single submitter. Criteria: Myriad Autosomal Dominant, Autosomal Recessive and X-Linked Classification Criteria (2023). Collection method: clinical testing. Allele origin: unknown.
Comment: This variant is considered pathogenic. This variant creates a termination codon and is predicted to result in premature protein truncation.

Baylor Genetics
Classification: Likely pathogenic for Familial cancer of breast. Last evaluated: 2022-10-11. Review status: criteria provided, single submitter. Criteria: ACMG Guidelines, 2015. Collection method: clinical testing. Allele origin: unknown.

GeneDx
Classification: Likely pathogenic. Last evaluated: 2015-12-03. Review status: criteria provided, single submitter. Criteria: GeneDx Variant Classification (06012015). Collection method: clinical testing. Allele origin: germline. Affected: yes.
Comment: This deletion of 20 nucleotides is denoted BARD1 c.1935_1954del20 at the cDNA level and p.Cys645Ter (C645X) at the protein level. The normal sequence, with the bases that are deleted in braces, is TATG[del20]AAAT. The deletion creates a nonsense variant, which changes a Cysteine to a premature stop codon. This variant has not been previously reported in the literature to our knowledge. BARD1 c.1935_1954del20 results in the loss of 133 amino acids at the end of the protein, which might affect normal function. This variant occurs in the BRCT1 and BRCT2 domains, which may be disrupted by this deletion (UniProt). However, due to the location of the newly created nonsense codon, the transcript is not expected to undergo nonsense-mediated decay and could therefore encode a truncated protein that retains some normal function. BARD1 c.1935_1954del20 was not observed in approximately 6,500 individuals of European and African American ancestry in the NHLBI Exome Sequencing Project, indicating it is not a common benign variant in these populations. Based on currently available information, we consider BARD1 c.1935_1954del20 to be a likely pathogenic variant.

Laboratory for Genotyping Development, RIKEN
Classification: Pathogenic for Gastric cancer. Last evaluated: 2021-07-01. Review status: no assertion criteria provided. Collection method: research. Allele origin: germline. Not counted in ClinVar's aggregate classification.

Literature cited by the submitters: PubMed 20077502 (cited by Labcorp Genetics (formerly Invitae), Labcorp); PubMed 21344236 (cited by Labcorp Genetics (formerly Invitae), Labcorp); PubMed 36988593 (cited by Laboratory for Genotyping Development, RIKEN).

NM_000465.4(BARD1):c.1935_1954del (p.Cys645_Glu652delinsTer)

Gene: BARD1 (BRCA1 associated RING domain 1; minus strand). Cytogenetic location: 2q35.
Variant type: Deletion.
Coding change: c.1935_1954del on transcript NM_000465.4 (MANE Select); coding-DNA positions 1935 to 1954, 20 bases deleted (TGAACAGGAAGAAAAGTATG).
Protein change: p.Cys645_Glu652delinsTer.
Molecular consequence: nonsense. On other transcripts: non-coding transcript variant (3).
Genome position (GRCh38, 1-based): chr2:214,730,458-214,730,477, CATACTTTTCTTCCTGTTCA deleted on the plus strand (TGAACAGGAAGAAAAGTATG on the coding strand, the reverse complement: BARD1 is on the minus strand); deleting any 20 consecutive bases within chr2:214,730,458-214,730,490 gives the same sequence; the c. name uses the placement nearest the transcript's 3' end. VCF-style (leftmost placement, unchanged base first): chr2-214730457-TCATACTTTTCTTCCTGTTCA-T. GRCh37 (hg19) VCF-style: chr2-215595181-TCATACTTTTCTTCCTGTTCA-T.
Other names: c.1878_1897del, p.Cys626_Glu633delinsTer (NM_001282543.2); c.582_601del, p.Cys194_Glu201delinsTer (NM_001282545.2); c.525_544del, p.Cys175_Glu182delinsTer (NM_001282548.2); c.396_415del, p.Cys132_Glu139delinsTer (NM_001282549.2).
Identifiers: ClinVar variation 265510 (VCV000265510.25), dbSNP rs587780024, ClinGen allele CA10588332.